The following is an entry in ClinVar:

ClinVar aggregate classification (germline): Conflicting classifications of pathogenicity. Review status: criteria provided, conflicting classifications (1 of 4 stars). 5 submissions from 5 submitters: Uncertain significance (4); Likely benign (1). Last evaluated 2025-10-05.

Conditions:
Malignant hyperthermia, susceptibility to, 5 (MHS5). Also called: CACNA1S-Related Malignant Hyperthermia Susceptibility. Identifiers: Orphanet 423, MedGen C1866077, MONDO:0011163, OMIM 601887.
Hypokalemic periodic paralysis, type 1. Also called: HypoPP; Hypokalemic Periodic Paralysis Type 1 (AD). Identifiers: Orphanet 681, MedGen C3714580, MONDO:0042979, OMIM 170400.

Allele frequency attached by ClinVar (database versions not stated): TOPMed below 0.00001; ExAC 0.00001; gnomAD 0.00001; gnomAD exomes 0.00001.

Submissions (5):

Labcorp Genetics (formerly Invitae), Labcorp
Classification: Uncertain significance for Hypokalemic periodic paralysis, type 1; Malignant hyperthermia, susceptibility to, 5. Last evaluated: 2025-10-05. Review status: criteria provided, single submitter. Criteria: Invitae Variant Classification Sherloc (09022015). Collection method: clinical testing. Allele origin: germline.
Comment: This sequence change replaces aspartic acid, which is acidic and polar, with asparagine, which is neutral and polar, at codon 723 of the CACNA1S protein (p.Asp723Asn). This variant is not present in population databases (gnomAD no frequency). This variant has not been reported in the literature in individuals affected with CACNA1S-related conditions. ClinVar contains an entry for this variant (Variation ID: 2934293). Invitae Evidence Modeling of protein sequence and biophysical properties (such as structural, functional, and spatial information, amino acid conservation, physicochemical variation, residue mobility, and thermodynamic stability) indicates that this missense variant is not expected to disrupt CACNA1S protein function with a negative predictive value of 95%. In summary, the available evidence is currently insufficient to determine the role of this variant in disease. Therefore, it has been classified as a Variant of Uncertain Significance.

Color Diagnostics, LLC DBA Color Health
Classification: Uncertain significance for Malignant hyperthermia, susceptibility to, 5. Last evaluated: 2025-09-05. Review status: criteria provided, single submitter. Criteria: ACMG Guidelines, 2015. Collection method: clinical testing. Allele origin: germline.
Comment: This missense variant replaces aspartic acid with asparagine at codon 723 of the CACNA1S protein. Computational prediction suggests that this variant may not impact protein structure and function. To our knowledge, functional studies have not been reported for this variant. This variant has not been reported in individuals affected with CACNA1S-related disorders in the literature. This variant has been identified in 1/251396 chromosomes in the general population by the Genome Aggregation Database (gnomAD). The available evidence is insufficient to determine the role of this variant in disease conclusively. Therefore, this variant is classified as a Variant of Uncertain Significance.

GeneDx
Classification: Uncertain significance. Last evaluated: 2025-04-30. Review status: criteria provided, single submitter. Criteria: GeneDx Variant Classification Process June 2021. Collection method: clinical testing. Allele origin: germline. Affected: yes.
Comment: Not observed at significant frequency in large population cohorts (gnomAD); In silico analysis supports that this missense variant has a deleterious effect on protein structure/function; Has not been previously published as pathogenic or benign to our knowledge

All of Us Research Program, National Institutes of Health
Classification: Uncertain significance for Malignant hyperthermia, susceptibility to, 5. Last evaluated: 2024-08-06. Review status: criteria provided, single submitter. Criteria: ACMG Guidelines, 2015. Collection method: clinical testing. Allele origin: germline. Inheritance: Autosomal dominant inheritance. Observed: 4 variant alleles, 4 heterozygotes.
Comment: This missense variant replaces aspartic acid with asparagine at codon 723 of the CACNA1S protein. Computational prediction suggests that this variant may not impact protein structure and function (internally defined REVEL score threshold <= 0.5, PMID: 27666373). To our knowledge, functional studies have not been reported for this variant. This variant has not been reported in individuals affected with CACNA1S-related disorders in the literature. This variant has been identified in 1/251396 chromosomes in the general population by the Genome Aggregation Database (gnomAD). The available evidence is insufficient to determine the role of this variant in disease conclusively. Therefore, this variant is classified as a Variant of Uncertain Significance.

This study involves interpretation of variants in research participants for the purpose of population health screening. Participant phenotype was not available at the time of variant classification. Additional details can be found in publication PMID: 35346344, PMCID: PMC8962531

Women's Health and Genetics/Laboratory Corporation of America, LabCorp
Classification: Likely benign. Last evaluated: 2024-01-11. Review status: criteria provided, single submitter. Criteria: LabCorp Variant Classification Summary - May 2015. Collection method: clinical testing. Allele origin: germline.
Comment: Variant summary: CACNA1S c.2167G>A (p.Asp723Asn) results in a conservative amino acid change in the encoded protein sequence. Three of five in-silico tools predict a damaging effect of the variant on protein function. The variant allele was found at a frequency of 8.7e-06 in 1613228 control chromosomes. The observed variant frequency is approximately 6.94 fold of the estimated maximal expected allele frequency for a pathogenic variant in CACNA1S causing Hypokalemic Periodic Paralysis phenotype (1.3e-06), strongly suggesting that the variant is benign. To our knowledge, no occurrence of c.2167G>A in individuals affected with Hypokalemic Periodic Paralysis and no experimental evidence demonstrating its impact on protein function have been reported. No submitters have cited clinical-significance assessments for this variant to ClinVar. Based on the evidence outlined above, the variant was classified as likely benign.

NM_000069.3(CACNA1S):c.2167G>A (p.Asp723Asn)

Gene: CACNA1S (calcium voltage-gated channel subunit alpha1 S; minus strand). Cytogenetic location: 1q32.1.
Variant type: single nucleotide variant.
Coding change: c.2167G>A on transcript NM_000069.3 (MANE Select); coding-DNA position 2167, G replaced by A.
Protein change: p.Asp723Asn; replaces aspartic acid 723 with asparagine.
Molecular consequence: missense variant.
Genome position (GRCh38, 1-based): chr1:201,072,815, C>T on the plus strand (G>A on the coding strand, the complement: CACNA1S is on the minus strand). VCF-style: chr1-201072815-C-T. GRCh37 (hg19) VCF-style: chr1-201041943-C-T.
Other names: c.2167G>A (NM_000069.2); short protein forms D723N.
Identifiers: ClinVar variation 2934293 (VCV002934293.8), dbSNP rs756920981, ClinGen allele CA078861.